The following is an entry in ClinVar:

ClinVar aggregate classification (germline): Uncertain significance. Review status: criteria provided, multiple submitters, no conflicts (2 of 4 stars). 2 submissions from 2 submitters: Uncertain significance (2). Last evaluated 2025-07-31.

Conditions:
Inborn genetic diseases. Identifiers: MedGen C0950123, MeSH D030342.

gnomAD v4.1: 2 of 1,613,630 alleles (0.00012%); highest among the groups gnomAD compares: East Asian, 0.0022%; no homozygotes.

Submissions (2):

Ambry Genetics
Classification: Uncertain significance for Inborn genetic diseases. Last evaluated: 2025-07-31. Review status: criteria provided, single submitter. Criteria: Ambry Variant Classification Scheme 2023. Collection method: clinical testing. Allele origin: germline.

GeneDx
Classification: Uncertain significance. Last evaluated: 2025-06-10. Review status: criteria provided, single submitter. Criteria: GeneDx Variant Classification Process June 2021. Collection method: clinical testing. Allele origin: germline. Affected: yes.
Comment: Not observed at significant frequency in large population cohorts (gnomAD); In silico analysis suggests that this missense variant does not alter protein structure/function; Has not been previously published as pathogenic or benign to our knowledge

NM_015057.5(MYCBP2):c.10045C>T (p.Leu3349Phe)

Gene: MYCBP2 (MYC binding protein 2; minus strand). Cytogenetic location: 13q22.3.
Variant type: single nucleotide variant.
Coding change: c.10045C>T on transcript NM_015057.5 (MANE Select); coding-DNA position 10045, C replaced by T.
Protein change: p.Leu3349Phe; replaces leucine 3349 with phenylalanine.
Molecular consequence: missense variant.
Genome position (GRCh38, 1-based): chr13:77,095,512, G>A on the plus strand (C>T on the coding strand, the complement: MYCBP2 is on the minus strand). VCF-style: chr13-77095512-G-A. GRCh37 (hg19) VCF-style: chr13-77669647-G-A.
Other names: short protein forms L3349F.
Identifiers: ClinVar variation 4114427 (VCV004114427.2).